The following is an entry in ClinVar:

ClinVar aggregate classification (germline): Likely benign. Review status: criteria provided, multiple submitters, no conflicts (2 of 4 stars). 2 submissions from 2 submitters: Likely benign (2). Last evaluated 2025-11-02.

Conditions:
MED13-related disorder. Also called: MED13-related condition.
Inborn genetic diseases. Identifiers: MedGen C0950123, MeSH D030342.

gnomAD v4.1: 36 of 1,607,818 alleles (0.0022%); highest among the groups gnomAD compares: South Asian, 0.023%; no homozygotes.

Submissions (2):

Ambry Genetics
Classification: Likely benign for Inborn genetic diseases. Last evaluated: 2025-11-02. Review status: criteria provided, single submitter. Criteria: Ambry Variant Classification Scheme 2023. Collection method: clinical testing. Allele origin: germline.

PreventionGenetics, part of Exact Sciences
Classification: Likely benign for MED13-related condition. Last evaluated: 2025-09-09. Review status: criteria provided, single submitter. Criteria: ACMG Guidelines, 2015. Collection method: clinical testing. Allele origin: germline.
Comment: This variant is classified as likely benign based on ACMG/AMP sequence variant interpretation guidelines (Richards et al. 2015 PMID: 25741868, with internal and published modifications).

NM_005121.3(MED13):c.4183A>G (p.Ile1395Val)

Gene: MED13 (mediator complex subunit 13; minus strand). Cytogenetic location: 17q23.2.
Variant type: single nucleotide variant.
Coding change: c.4183A>G on transcript NM_005121.3 (MANE Select); coding-DNA position 4183, A replaced by G.
Protein change: p.Ile1395Val; replaces isoleucine 1395 with valine.
Molecular consequence: missense variant.
Genome position (GRCh38, 1-based): chr17:61,968,043, T>C on the plus strand (A>G on the coding strand, the complement: MED13 is on the minus strand). VCF-style: chr17-61968043-T-C. GRCh37 (hg19) VCF-style: chr17-60045404-T-C.
Other names: short protein forms I1395V.
Identifiers: ClinVar variation 4624789 (VCV004624789.2).